The following is an entry in ClinVar:

ClinVar aggregate classification (germline): Uncertain significance (1 of 4 stars; one submission).

Submission:

CeGaT Center for Human Genetics Tuebingen
Classification: Uncertain significance. Last evaluated: 2024-10-01. Review status: criteria provided, single submitter. Criteria: CeGaT Center For Human Genetics Tuebingen Variant Classification Criteria Version 2. Collection method: clinical testing. Allele origin: germline. Affected: yes. Observed: 1 variant allele.
Comment: MEN1: PM2, PP3

NM_001370259.2(MEN1):c.732C>G (p.Asn244Lys)

Gene: MEN1 (menin 1; minus strand). Cytogenetic location: 11q13.1.
Variant type: single nucleotide variant.
Coding change: c.732C>G on transcript NM_001370259.2 (MANE Select); coding-DNA position 732, C replaced by G.
Protein change: p.Asn244Lys; replaces asparagine 244 with lysine.
Molecular consequence: missense variant. On other transcripts: non-coding transcript variant (4).
Genome position (GRCh38, 1-based): chr11:64,807,603, G>C on the plus strand (C>G on the coding strand, the complement: MEN1 is on the minus strand). VCF-style: chr11-64807603-G-C. GRCh37 (hg19) VCF-style: chr11-64575075-G-C.
Other names: c.747C>G, p.Asn249Lys (NM_000244.4, NM_001407145.1, NM_001407150.1 and 5 more transcripts); c.732C>G, p.Asn244Lys (NM_001370251.2, NM_001370260.2, NM_001370261.2 and 7 more transcripts); c.627C>G, p.Asn209Lys (NM_001370262.2, NM_001370263.2, NM_001407148.1 and 2 more transcripts); short protein forms N209K, N244K, N249K.
Identifiers: ClinVar variation 3389959 (VCV003389959.14).